The following is an entry in ClinVar:

ClinVar aggregate classification (germline): Benign/Likely benign. Review status: criteria provided, multiple submitters, no conflicts (2 of 4 stars). 2 submissions from 2 submitters: Benign (1); Likely benign (1). Last evaluated 2024-10-24.

Conditions:
Birt-Hogg-Dube syndrome 1 (BHD1). Also called: FIBROFOLLICULOMAS WITH TRICHODISCOMAS AND ACROCHORDONS. Identifiers: Orphanet 122, MedGen CN375946, MONDO:0800445, OMIM 135150.
Birt-Hogg-Dube syndrome. Also called: Birt Hogg Dubé syndrome. Identifiers: Orphanet 122, MedGen C0346010, MONDO:0800444.

Allele frequency attached by ClinVar (database versions not stated): gnomAD exomes below 0.00001 and 0.00001.

Submissions (2):

Myriad Genetics, Inc.
Classification: Benign for Birt-Hogg-Dube syndrome 1. Last evaluated: 2024-10-24. Review status: criteria provided, single submitter. Criteria: Myriad Autosomal Dominant, Autosomal Recessive and X-Linked Classification Criteria (2023). Collection method: clinical testing. Allele origin: unknown.
Comment: This variant is considered benign. This variant is a silent/synonymous amino acid change and it is not expected to impact splicing.

Labcorp Genetics (formerly Invitae), Labcorp
Classification: Likely benign for Birt-Hogg-Dube syndrome. Last evaluated: 2022-11-15. Review status: criteria provided, single submitter. Criteria: Invitae Variant Classification Sherloc (09022015). Collection method: clinical testing. Allele origin: germline.

NM_144997.7(FLCN):c.1392G>A (p.Glu464=)

Gene: FLCN (folliculin; minus strand). Cytogenetic location: 17p11.2.
Variant type: single nucleotide variant.
Coding change: c.1392G>A on transcript NM_144997.7 (MANE Select); coding-DNA position 1392, G replaced by A.
Protein change: p.Glu464=; no amino-acid change (glutamic acid 464 retained).
Molecular consequence: synonymous variant.
Genome position (GRCh38, 1-based): chr17:17,215,225, C>T on the plus strand (G>A on the coding strand, the complement: FLCN is on the minus strand). VCF-style: chr17-17215225-C-T. GRCh37 (hg19) VCF-style: chr17-17118539-C-T.
Other names: c.1446G>A, p.Glu482= (NM_001353229.2); c.1392G>A, p.Glu464= (NM_001353230.2, NM_001353231.2).
Identifiers: ClinVar variation 1128103 (VCV001128103.8), dbSNP rs1404739465, ClinGen allele CA498421283.